The following is an entry in ClinVar:

ClinVar aggregate classification (germline): Pathogenic/Likely pathogenic. Review status: criteria provided, multiple submitters, no conflicts (2 of 4 stars). 13 submissions from 13 submitters: Pathogenic (8); Likely pathogenic (1). 4 of the submissions do not count toward it. Last evaluated 2026-03-12.

Conditions:
Intellectual developmental disorder, autosomal dominant 56. Also called: MENTAL RETARDATION, AUTOSOMAL DOMINANT 56; Intellectual disability, autosomal dominant 56. Identifiers: MedGen C4693389, MONDO:0030922, OMIM 617854.
Inborn genetic diseases. Identifiers: MedGen C0950123, MeSH D030342.

Submissions (13):

Ambry Genetics
Classification: Pathogenic for Inborn genetic diseases. Last evaluated: 2026-03-12. Review status: criteria provided, single submitter. Criteria: Ambry Variant Classification Scheme 2023. Collection method: clinical testing. Allele origin: germline.
Comment: The c.2669C>T (p.P890L) alteration is located in exon 17 (coding exon 17) of the CLTC gene. This alteration results from a C to T substitution at nucleotide position 2669, causing the proline (P) at amino acid position 890 to be replaced by a leucine (L). This variant was not reported in population-based cohorts in the Genome Aggregation Database (gnomAD). This variant was reported in individual(s) with features consistent with CLTC-related neurodevelopmental disorder; in at least one individual, it was determined to be de novo (Hamdan, 2017). This variant was also reported as a de novo occurrence in individual(s) with intellectual disability, motor delay, and joint hypermobility (DECIPHER). This amino acid position is highly conserved in available vertebrate species. This missense variant is located in a region that has a low rate of benign missense variation (Lek, 2016; Firth, 2009). This alteration is predicted to be deleterious by in silico analysis. Based on the available evidence, this alteration is classified as pathogenic.

Labcorp Genetics (formerly Invitae), Labcorp
Classification: Pathogenic. Last evaluated: 2025-07-21. Review status: criteria provided, single submitter. Criteria: Invitae Variant Classification Sherloc (09022015). Collection method: clinical testing. Allele origin: germline.
Comment: This sequence change replaces proline, which is neutral and non-polar, with leucine, which is neutral and non-polar, at codon 894 of the CLTC protein (p.Pro894Leu). This variant is not present in population databases (gnomAD no frequency). This missense change has been observed in individual(s) with CLTC-related conditions (PMID: 29100083). In at least one individual the variant was observed to be de novo. This variant is also known as c.2669C>T (p.Pro890Leu). ClinVar contains an entry for this variant (Variation ID: 488418). Invitae Evidence Modeling of protein sequence and biophysical properties (such as structural, functional, and spatial information, amino acid conservation, physicochemical variation, residue mobility, and thermodynamic stability) indicates that this missense variant is not expected to disrupt CLTC protein function with a negative predictive value of 80%. For these reasons, this variant has been classified as Pathogenic.

Dasa
Classification: Pathogenic. Last evaluated: 2024-09-03. Review status: criteria provided, single submitter. Criteria: DASA Assertion Criteria. Collection method: clinical testing. Allele origin: germline.
Comment: NM_004859.4(CLTC):c.2669C>T (p.Pro890Leu) is a missense variant that results in the substitution of proline with leucine. The affected residue or protein region has prior evidence supporting clinical relevance. This variant has been reported in individuals with related phenotype. De novo occurrence has been reported in an individual with related phenotype. Functional evidence supports a deleterious effect on the gene or gene product. The variant is present at low frequency in population datasets. Based on the available data, this variant is classified as pathogenic.

Victorian Clinical Genetics Services, Murdoch Childrens Research Institute
Classification: Pathogenic for Intellectual developmental disorder, autosomal dominant 56. Last evaluated: 2023-07-17. Review status: criteria provided, single submitter. Criteria: ACMG Guidelines, 2015. Collection method: clinical testing. Allele origin: germline. Inheritance: Autosomal dominant inheritance. Affected: yes.
Comment: Based on the classification scheme VCGS_Germline_v1.3.4, this variant is classified as Pathogenic. Following criteria are met: 0102 - Loss of function is a known mechanism of disease in this gene and is associated with intellectual developmental disorder 56 (MIM# 617854). (I) 0107 - This gene is associated with autosomal dominant disease. (I) 0115 - Variants in this gene are known to have variable expressivity (PMID:31776469). (I) 0200 - Variant is predicted to result in a missense amino acid change from proline to leucine. (I) 0251 - This variant is heterozygous. (I) 0301 - Variant is absent from gnomAD (v2 and v3). (SP) 0502 - Missense variant with conflicting in silico predictions and uninformative conservation. (I) 0603 - Missense variant in a region that is highly intolerant to missense variation (high constraint region in DECIPHER). (SP) 0705 - No comparable missense variants have previous evidence for pathogenicity. (I) 0801 - This variant has strong previous evidence of pathogenicity and has been reported as de novo in multiple unrelated individuals with intellectual disability and related symptoms (PMID:29100083, PMID:30337205, PMID:31036916 and PMID:31776469). (SP) Legend: (SP) - Supporting pathogenic, (I) - Information, (SB) - Supporting benign

Institute for Medical Genetics and Human Genetics, Charité - Universitätsmedizin Berlin
Classification: Pathogenic for Intellectual developmental disorder, autosomal dominant 56. Last evaluated: 2022-09-16. Review status: criteria provided, single submitter. Criteria: ACMG Guidelines, 2015. Collection method: clinical testing. Allele origin: germline. Inheritance: Autosomal dominant inheritance. Affected: yes. Observed: 1 heterozygote.

GeneDx
Classification: Pathogenic. Last evaluated: 2022-06-14. Review status: criteria provided, single submitter. Criteria: GeneDx Variant Classification Process June 2021. Collection method: clinical testing. Allele origin: germline. Affected: yes.
Comment: Not observed in large population cohorts (gnomAD); In silico analysis supports that this missense variant has a deleterious effect on protein structure/function; Also known as P890L; This variant is associated with the following publications: (PMID: 28191890, 31036916, 31231135, 30979967, 26822784, 28135719, 30337205, 31776469, 31785789, 33004838, 29100083)

MGZ Medical Genetics Center
Classification: Likely pathogenic for Intellectual developmental disorder, autosomal dominant 56. Last evaluated: 2022-06-10. Review status: criteria provided, single submitter. Criteria: ACMG Guidelines, 2015. Collection method: clinical testing. Allele origin: germline. Affected: yes. Observed: 1 variant allele.
Comment: ACMG criteria applied: PS2, PM1, PM2_SUP, PP2

Undiagnosed Diseases Network, NIH
Classification: Pathogenic for Intellectual developmental disorder, autosomal dominant 56. Last evaluated: 2020-02-24. Review status: criteria provided, single submitter. Criteria: ACMG Guidelines, 2015. Collection method: clinical testing. Allele origin: unknown. Inheritance: Autosomal dominant inheritance. Affected: yes. Observed: 1 variant allele, 1 heterozygote. Study: Undiagnosed Diseases Network (NIH), UDN.

Laboratoire de Génétique Moléculaire, CHU Bordeaux
Classification: Pathogenic. Review status: criteria provided, single submitter. Criteria: ACMG Guidelines, 2015. Collection method: clinical testing. Allele origin: germline. Affected: yes.

OMIM
Classification: Pathogenic for INTELLECTUAL DEVELOPMENTAL DISORDER, AUTOSOMAL DOMINANT 56. Last evaluated: 2021-10-20. Review status: no assertion criteria provided. Collection method: literature only. Allele origin: germline. Not counted in ClinVar's aggregate classification.

Department of Genetics, Rouen University Hospital, Normandy Center for Genomic and Personalized Medicine
Classification: Likely pathogenic for Intellectual developmental disorder, autosomal dominant 56. Last evaluated: 2020-09-14. Review status: no assertion criteria provided. Collection method: clinical testing. Allele origin: de novo. Affected: yes. Not counted in ClinVar's aggregate classification.

Service de Génétique Moléculaire, Hôpital Robert Debré
Classification: Pathogenic for Intellectual developmental disorder, autosomal dominant 56. Last evaluated: 2020-07-03. Review status: no assertion criteria provided. Collection method: clinical testing. Allele origin: de novo. Affected: yes. Not counted in ClinVar's aggregate classification.

Gene Discovery Core-Manton Center, Boston Children's Hospital
Classification: Uncertain significance for Intellectual developmental disorder, autosomal dominant 56. Last evaluated: 2019-02-05. Review status: no assertion criteria provided. Collection method: clinical testing. Allele origin: germline. Affected: yes. Not counted in ClinVar's aggregate classification.

Literature cited by the submitters: PubMed 19344873 (cited by Ambry Genetics); PubMed 29100083 (cited by 4 submitters); PubMed 30337205 (cited by Victorian Clinical Genetics Services, Murdoch Childrens Research Institute); PubMed 31036916 (cited by Victorian Clinical Genetics Services, Murdoch Childrens Research Institute); PubMed 31776469 (cited by Victorian Clinical Genetics Services, Murdoch Childrens Research Institute).

NM_004859.4(CLTC):c.2669C>T (p.Pro890Leu)

Gene: CLTC (clathrin heavy chain; plus strand). Cytogenetic location: 17q23.1.
Variant type: single nucleotide variant.
Coding change: c.2669C>T on transcript NM_004859.4 (MANE Select); coding-DNA position 2669, C replaced by T.
Protein change: p.Pro890Leu; replaces proline 890 with leucine.
Molecular consequence: missense variant.
Genome position (GRCh38, 1-based): chr17:59,677,061, C>T. VCF-style: chr17-59677061-C-T. GRCh37 (hg19) VCF-style: chr17-57754422-C-T.
Other names: c.2681C>T, p.Pro894Leu (NM_001288653.2); short protein forms P890L, P894L.
Identifiers: ClinVar variation 488418 (VCV000488418.20), dbSNP rs1555606635, ClinGen allele CA400415888.
Genomic context (GRCh38, chr17:59,677,061, plus strand): 5'-GTGAGGAGCCTGCTACTCACAATGCCTTAGCCAAAATCTACATAGACAGTAATAACAACC[C>T]GGAGAGATTTCTTCGTGAAAATCCCTACTATGACAGTCGCGTTGTTGGAAAGTATTGTGA-3'
Protein context (NP_004850.1, residues 880-900): AKIYIDSNNN[Pro890Leu]ERFLRENPYY